The following is an entry in ClinVar:

ClinVar aggregate classification (germline): Likely pathogenic (1 of 4 stars; one submission).

Allele frequency attached by ClinVar (database versions not stated): gnomAD exomes below 0.00001.
gnomAD v4.1: 1 of 1,579,646 alleles (0.000063%); highest among the groups gnomAD compares: Non-Finnish European, 0.000086%; no homozygotes.

Submission:

Labcorp Genetics (formerly Invitae), Labcorp
Classification: Likely pathogenic. Last evaluated: 2024-02-24. Review status: criteria provided, single submitter. Criteria: Invitae Variant Classification Sherloc (09022015). Collection method: clinical testing. Allele origin: germline.
Comment: This sequence change affects an acceptor splice site in intron 10 of the LZTR1 gene. It is expected to disrupt RNA splicing. Variants that disrupt the donor or acceptor splice site typically lead to a loss of protein function (PMID: 16199547), and loss-of-function variants in LZTR1 are known to be pathogenic (PMID: 24362817, 25335493, 25480913, 25795793, 29469822, 30368668, 30442762, 30442766, 30481304, 30859559). This variant is not present in population databases (gnomAD no frequency). This variant has not been reported in the literature in individuals affected with LZTR1-related conditions. Algorithms developed to predict the effect of sequence changes on RNA splicing suggest that this variant may disrupt the consensus splice site. In summary, the currently available evidence indicates that the variant is pathogenic, but additional data are needed to prove that conclusively. Therefore, this variant has been classified as Likely Pathogenic.

Literature cited by the submitters: PubMed 16199547; PubMed 24362817; PubMed 25335493; PubMed 25480913; PubMed 25795793; PubMed 29469822; PubMed 30368668; PubMed 30442762; PubMed 30442766; PubMed 30481304; PubMed 30859559.

NM_006767.4(LZTR1):c.1150-1G>C

Gene: LZTR1 (leucine zipper like post translational regulator 1; plus strand). Cytogenetic location: 22q11.21.
Variant type: single nucleotide variant.
Coding change: c.1150-1G>C on transcript NM_006767.4 (MANE Select); the canonical splice acceptor site of the intron before coding-DNA position 1150, G replaced by C.
Molecular consequence: splice acceptor variant.
Genome position (GRCh38, 1-based): chr22:20,992,793, G>C. VCF-style: chr22-20992793-G-C. GRCh37 (hg19) VCF-style: chr22-21347082-G-C.
Identifiers: ClinVar variation 2738771 (VCV002738771.3), dbSNP rs2518618734, ClinGen allele CA410773595.